The following is an entry in ClinVar:

ClinVar aggregate classification (germline): Pathogenic/Likely pathogenic. Review status: criteria provided, multiple submitters, no conflicts (2 of 4 stars). 13 submissions from 12 submitters: Pathogenic (10); Likely pathogenic (2). 1 of the submissions does not count toward it. Last evaluated 2026-01-21.

Conditions:
GM1 gangliosidosis type 2. Also called: GM1-GANGLIOSIDOSIS, TYPE II; GANGLIOSIDOSIS, GENERALIZED GM1, JUVENILE TYPE; GANGLIOSIDOSIS, GENERALIZED GM1, TYPE II; Gangliosidosis, Generalized GM1, Type 2; Juvenile GM>1< gangliosidosis. Identifiers: Orphanet 354, Orphanet 79256, MedGen C0268272, MONDO:0009261, OMIM 230600.
GM1 gangliosidosis type 3. Also called: GM1-GANGLIOSIDOSIS, TYPE III; GANGLIOSIDOSIS, GENERALIZED GM1, ADULT TYPE; GANGLIOSIDOSIS, GENERALIZED GM1, CHRONIC TYPE; GANGLIOSIDOSIS, GENERALIZED GM1, TYPE III; Gangliosidosis, Generalized GM1, Type 3; Beta-galactosidase deficiency. Identifiers: Orphanet 79257, MedGen C0268273, MONDO:0009262, OMIM 230650.
Mucopolysaccharidosis, MPS-IV-B (MPS4B). Also called: Mucopolysaccharidosis type 4B; Mucopolysaccharidosis type IVB (Morquio); MPS IVB; MORQUIO SYNDROME B; Mucopolysaccharidosis type IV B; Mucopolysaccharidosis Type IVB. Identifiers: Orphanet 309310, Orphanet 582, MedGen C0086652, MONDO:0009660, OMIM 253010.
Infantile GM1 gangliosidosis. Also called: Gangliosidosis, Generalized GM1, Type 1; GM1-gangliosidosis, type I; Gangliosidosis, generalized GM1, infantile form; GLB1 deficiency; GM1 gangliosidosis type 1. Identifiers: Orphanet 354, Orphanet 79255, MedGen C0268271, MONDO:0009260, OMIM 230500.
GLB1-related disorder. Also called: GLB1-related disorders. Identifiers: MedGen CN377807.
GM1 gangliosidosis. Identifiers: Orphanet 354, MedGen C0085131, MONDO:0018149.

Allele frequency attached by ClinVar (database versions not stated): gnomAD exomes 0.00003 and 0.00006; gnomAD 0.00007 and 0.00008; TOPMed 0.00008; ExAC 0.00009; 1000 Genomes Project 30x 0.00016; 1000 Genomes Project 0.00020.
gnomAD v4.1: 50 of 1,614,032 alleles (0.0031%); highest among the groups gnomAD compares: South Asian, 0.033%; no homozygotes.

Submissions (13):

PreventionGenetics, part of Exact Sciences
Classification: Likely pathogenic for GLB1-related condition. Last evaluated: 2026-01-21. Review status: criteria provided, single submitter. Criteria: ACMG Guidelines, 2015. Collection method: clinical testing. Allele origin: germline.
Comment: The GLB1 c.1325G>A variant is predicted to result in the amino acid substitution p.Arg442Gln. This variant has been reported in the compound heterozygous state in individuals with GM1-gangliosidosis and shown using in vitro studies to negatively affect enzymatic activity (Caciotti et al. 2005. PubMed ID: 16314480; Caciotti et al. 2009. PubMed ID: 18571950; Caciotti et al. 2011. PubMed ID: 21497194; Kumar et al. 2016. PubMed ID: 27679996). This variant is reported in 0.026% of alleles in individuals of South Asian descent in gnomAD and is reported as likely pathogenic and pathogenic in ClinVar (Variation ID: 528328). This variant is interpreted as likely pathogenic.

Labcorp Genetics (formerly Invitae), Labcorp
Classification: Pathogenic for Mucopolysaccharidosis, MPS-IV-B; GM1 gangliosidosis. Last evaluated: 2026-01-01. Review status: criteria provided, single submitter. Criteria: Invitae Variant Classification Sherloc (09022015). Collection method: clinical testing. Allele origin: germline.
Comment: This sequence change replaces arginine, which is basic and polar, with glutamine, which is neutral and polar, at codon 442 of the GLB1 protein (p.Arg442Gln). This variant is present in population databases (rs564428355, gnomAD 0.03%). This missense change has been observed in individuals with GM1 gangliosidosis (PMID: 16314480, 18571950, 21497194, 27679996). It has also been observed to segregate with disease in related individuals. ClinVar contains an entry for this variant (Variation ID: 528328). Invitae Evidence Modeling of protein sequence and biophysical properties (such as structural, functional, and spatial information, amino acid conservation, physicochemical variation, residue mobility, and thermodynamic stability) indicates that this missense variant is expected to disrupt GLB1 protein function with a positive predictive value of 95%. Experimental studies have shown that this missense change affects GLB1 function (PMID: 16314480, 18571950). For these reasons, this variant has been classified as Pathogenic.

Natera, Inc.
Classification: Pathogenic for Mucopolysaccharidosis, MPS-IV-B. Last evaluated: 2025-10-13. Review status: criteria provided, single submitter. Criteria: Natera Variant Classification Schema (03/2026). Collection method: clinical testing. Allele origin: germline.
Comment: The c.1325G>A variant in GLB1 is a missense variant predicted to cause substitution of arginine to glutamine at amino acid 442. This variant is rare in the general population with a frequency below the threshold expected for the associated phenotype(s). This variant has been observed in one or more individuals affected with the associated recessive disease, as either homozygous or compound heterozygous with a second variant (PMID: 27679996, 21497194). Computational prediction algorithms indicate this variant is likely to affect gene or protein function. Given the available evidence, this variant is classified as Pathogenic.

GeneDx
Classification: Pathogenic. Last evaluated: 2025-10-08. Review status: criteria provided, single submitter. Criteria: GeneDx Variant Classification Process June 2021. Collection method: clinical testing. Allele origin: germline. Affected: yes.
Comment: Published functional studies demonstrate that p.(R344Q) seriously impairs enzymatic activity, measured in transiently transfected COS-1 cells (PMID: 16314480); In silico analysis supports that this missense variant has a deleterious effect on protein structure/function; This variant is associated with the following publications: (PMID: 21497194, 18571950, 16314480, 19472408, 28577204, 28879940, 20175788, 27679996, 30838236, 31776384, 31069529, 37541188, 35287262, 37970291, 21520340, 38702915)

Genetics and Genomic Medicine Centre, NeuroGen Healthcare, NeuroGen Healthcare
Classification: Pathogenic for GM1 gangliosidosis type 2. Last evaluated: 2025-07-15. Review status: criteria provided, single submitter. Criteria: ACMG Guidelines, 2015. Collection method: clinical testing. Allele origin: unknown. Affected: no.

Revvity Omics, Revvity
Classification: Pathogenic. Last evaluated: 2025-07-15. Review status: criteria provided, single submitter. Criteria: ACMG Guidelines, 2015. Collection method: clinical testing. Allele origin: germline.

Rady Children's Institute for Genomic Medicine, Rady Children's Hospital San Diego
Classification: Pathogenic for GLB1-related disorders. Last evaluated: 2024-12-20. Review status: criteria provided, single submitter. Criteria: ACMG Guidelines, 2015. Collection method: clinical testing. Allele origin: germline. Affected: yes.
Comment: The c.1325G>A (p.Arg442Gln) variant affects a highly conserved amino acid and is predicted by multiple in silico tools to have a deleterious effect on protein function. This variant has been previously reported as a compound heterozygous change in individuals with variable features of GM1 gangliosidosis, including short stature, ataxia, dystonia; some with developmental delay and others with normal intelligence (PMID: 16314480, 31069529, 37541188, 21497194, 27679996). In one family, the c.1325G>A (p.Arg442Gln) variant segregated with disease in three affected siblings (PMID: 27679996). Functional studies demonstrated that the c.1325G>A (p.Arg442Gln) variant results in significantly decreased beta-galactosidase enzyme activity in transfected COS-1 cells as well as in leukocytes and fibroblasts of affected individuals (PMID: 16314480, 21497194, 27679996). The c.1325G>A (p.Arg442Gln) variant is present in the latest version of the gnomAD population database at an allele frequency of 0.003% (50/1614032). Based on the available evidence, c.1325G>A (p.Arg442Gln) is classified as Pathogenic.

Blueprint Genetics
Classification: Pathogenic for GLB1-related disorders. Last evaluated: 2024-10-22. Review status: criteria provided, single submitter. Criteria: ACMG Guidelines, 2015. Collection method: clinical testing. Allele origin: germline. Affected: yes. Observed: 3 variant alleles.

Fulgent Genetics
Classification: Likely pathogenic for Infantile GM1 gangliosidosis; GM1 gangliosidosis type 2; GM1 gangliosidosis type 3; Mucopolysaccharidosis, MPS-IV-B. Last evaluated: 2018-10-31. Review status: criteria provided, single submitter. Criteria: ACMG Guidelines, 2015. Collection method: clinical testing. Allele origin: unknown.

Kasturba Medical College, Manipal, Kasturba Medical College, Manipal, Manipal Academy of Higher Education, Manipal, India
Classification: Pathogenic for GM1 gangliosidosis type 3. Review status: criteria provided, single submitter. Criteria: ACMG Guidelines, 2015. Collection method: research. Allele origin: paternal. Inheritance: Autosomal recessive inheritance. Affected: yes. Observed: 1 heterozygote.
Comment: This variant is present in 50 individuals in heterozygous state and absent in homozygous state in gnomAD (v4.1.0). This variant is present in five individuals in heterozygous state and absent in homozygous state in our in-house database of 3673 exomes. In-silico analysis tools (REVEL, CADD_phred) predict the variants as disease-causing and likely to affect the GLB1 function.

Neuberg Centre For Genomic Medicine, NCGM
Classification: Pathogenic for Infantile GM1 gangliosidosis. Review status: criteria provided, single submitter. Criteria: ACMG Guidelines, 2015. Collection method: clinical testing. Allele origin: germline. Inheritance: Autosomal recessive inheritance. Affected: yes.
Comment: The c.1325G>A (p.Arg442Gln) missense variant in GLB1 gene has been reported in the compound heterozygous state in individuals and families affected with GM1 gangliosidosis (Caciotti et al., 2009; Caciotti et al., 2005). Experimental studies have shown that this missense change impairs enzymatic activity in vitro (Caciotti et al., 2009; Caciotti et al., 2005).This variant is reported with the allele frequency (0.005%) in the gnomAD and novel in 1000 genome database. It has been submitted to ClinVar with varying interpretations: Pathogenic/ Likely Pathogenic. The amino acid Arg at position 442 is changed to a Gln changing protein sequence and it might alter its composition and physico-chemical properties. The amino acid change p.Arg442Gln in GLB1 is predicted as conserved by GERP++ and PhyloP across 100 vertebrates. For these reasons, this variant has been classified as Pathogenic.

Neuberg Centre For Genomic Medicine, NCGM
Classification: Pathogenic for GM1 gangliosidosis type 2. Review status: criteria provided, single submitter. Criteria: ACMG Guidelines, 2015. Collection method: clinical testing. Allele origin: germline. Inheritance: Autosomal recessive inheritance. Affected: yes.
Comment: The missense variant c.1325G>A (p.Arg442Gln) in the GLB1 gene has been reported previously in compound heterozygous state in multiple individuals affected with GM1 gangliosidosis (Caciotti et al., 2011, Kumar et al., 2016). It has also been observed to segregate with disease in related individuals. Experimental studies have shown that this missense change affects GLB1 function (Caciotti et al., 2005; Caciotti et al., 2009). The variant is present with allele frequency of 0.006% in gnomAD Exomes. This variant has been submitted to the ClinVar database as Likely Pathogenic/ Pathogenic. Multiple lines of computational evidence (Polyphen - Probably Damaging, SIFT - Damaging and MutationTaster - Disease causing) predict a damaging effect on protein structure and function for this variant. The reference amino acid at this position in GLB1 is predicted as conserved by GERP++ and PhyloP across 100 vertebrates. The amino acid Arg at position 442 is changed to a Gln changing protein sequence and it might alter its composition and physico-chemical properties. For these reasons, this variant has been classified as Pathogenic.

Counsyl
Classification: Likely pathogenic for Infantile GM1 gangliosidosis; GM1 gangliosidosis type 2; GM1 gangliosidosis type 3; Mucopolysaccharidosis, MPS-IV-B. Last evaluated: 2017-05-03. Review status: no assertion criteria provided. Collection method: clinical testing. Allele origin: unknown. Not counted in ClinVar's aggregate classification.

Literature cited by the submitters: PubMed 16314480 (cited by 4 submitters); PubMed 18571950 (cited by Labcorp Genetics (formerly Invitae), Labcorp); PubMed 21497194 (cited by 4 submitters); PubMed 27679996 (cited by 4 submitters); PubMed 31069529 (cited by Rady Children's Institute for Genomic Medicine, Rady Children's Hospital San Diego); PubMed 37541188 (cited by Rady Children's Institute for Genomic Medicine, Rady Children's Hospital San Diego); PubMed 19472408 (cited by Counsyl); PubMed 20175788 (cited by Counsyl); PubMed 21520340 (cited by Counsyl).

NM_000404.4(GLB1):c.1325G>A (p.Arg442Gln)

Gene: GLB1 (galactosidase beta 1; minus strand). Cytogenetic location: 3p22.3.
Variant type: single nucleotide variant.
Coding change: c.1325G>A on transcript NM_000404.4 (MANE Select); coding-DNA position 1325, G replaced by A.
Protein change: p.Arg442Gln; replaces arginine 442 with glutamine.
Molecular consequence: missense variant.
Genome position (GRCh38, 1-based): chr3:33,018,470, C>T on the plus strand (G>A on the coding strand, the complement: GLB1 is on the minus strand). VCF-style: chr3-33018470-C-T. GRCh37 (hg19) VCF-style: chr3-33059962-C-T.
Other names: c.1325G>A (NM_000404.3); c.1235G>A, p.Arg412Gln (NM_001079811.3); c.932G>A, p.Arg311Gln (NM_001135602.3); c.1469G>A, p.Arg490Gln (NM_001317040.2); c.1325G>A, p.Arg442Gln (NM_001393580.1); short protein forms R442Q, R311Q, R490Q, R412Q.
Identifiers: ClinVar variation 528328 (VCV000528328.27), dbSNP rs564428355, ClinGen allele CA2299427.